The following is an entry in ClinVar:

NM_004070.4(CLCNKA):c.1979C>T (p.Ser660Leu)

Genes: CLCNKA (chloride voltage-gated channel Ka; plus strand), LOC106501712 (CLCNKA recombination region; plus strand). Cytogenetic location: 1p36.13.
Variant type: single nucleotide variant.
Coding change: c.1979C>T on transcript NM_004070.4 (MANE Select); coding-DNA position 1979, C replaced by T.
Protein change: p.Ser660Leu; replaces serine 660 with leucine.
Molecular consequence: missense variant.
Genome position (GRCh38, 1-based): chr1:16,033,219, C>T. VCF-style: chr1-16033219-C-T. GRCh37 (hg19) VCF-style: chr1-16359714-C-T.
Other names: c.1976C>T, p.Ser659Leu (NM_001042704.2); c.1850C>T, p.Ser617Leu (NM_001257139.2); short protein forms S659L, S660L, S617L.
Identifiers: ClinVar variation 3493337 (VCV003493337.2).
Genomic context (GRCh38, chr1:16,033,219, plus strand): 5'-CCCCCATCCAGGCACAAAACCTCTTTAAGCTGTTGAACCTTCAGTCCCTCTTCGTGACAT[C>T]GCGGGGCAGAGCTGTGGGCTGCGTGTCCTGGGTGGAGGTACCAGGGTCCCGGGGGCAGAG-3'
Protein context (NP_004061.3, residues 650-670): LLNLQSLFVT[Ser660Leu]RGRAVGCVSW

ClinVar aggregate classification (germline): Uncertain significance. Review status: criteria provided, multiple submitters, no conflicts (2 of 4 stars). 2 submissions from 2 submitters: Uncertain significance (2). Last evaluated 2026-04-07.

Conditions:
Inborn genetic diseases. Identifiers: MedGen C0950123, MeSH D030342.

gnomAD v4.1: 41 of 1,614,014 alleles (0.0025%); highest among the groups gnomAD compares: Non-Finnish European, 0.0031%; no homozygotes.

Submissions (2):

Women's Health and Genetics/Laboratory Corporation of America, LabCorp
Classification: Uncertain significance. Last evaluated: 2026-04-07. Review status: criteria provided, single submitter. Criteria: LabCorp Variant Classification Summary - May 2015. Collection method: clinical testing. Allele origin: germline.
Comment: Variant summary: CLCNKA c.1979C>T (p.Ser660Leu) results in a non-conservative amino acid change in the encoded protein sequence. Algorithms developed to predict the effect of missense changes on protein structure and function are either unavailable or do not agree on the potential impact of this missense change. The variant allele was found at a frequency of 8e-06 in 251436 control chromosomes. The available data on variant occurrences in the general population are insufficient to allow any conclusion about variant significance. To our knowledge, no occurrence of c.1979C>T in individuals affected with CLCNKA-related conditions and no experimental evidence demonstrating its impact on protein function have been reported. ClinVar contains an entry for this variant (Variation ID: 3493337). Based on the evidence outlined above, the variant was classified as uncertain significance.

Ambry Genetics
Classification: Uncertain significance for Inborn genetic diseases. Last evaluated: 2024-10-20. Review status: criteria provided, single submitter. Criteria: Ambry Variant Classification Scheme 2023. Collection method: clinical testing. Allele origin: germline.